The following is an entry in ClinVar:

ClinVar aggregate classification (germline): Uncertain significance (1 of 4 stars; one submission).

Conditions:
ASH1L-related disorder. Also called: ASH1L-related condition.

Submission:

PreventionGenetics, part of Exact Sciences
Classification: Uncertain significance for ASH1L-related condition. Last evaluated: 2026-06-22. Review status: criteria provided, single submitter. Criteria: ACMG Guidelines, 2015. Collection method: clinical testing. Allele origin: germline.
Comment: The ASH1L c.1387A>G variant is predicted to result in the amino acid substitution p.Lys463Glu. To our knowledge, this variant has not been reported in the literature or in a large population database (gnomAD), indicating this variant is rare. At this time, the clinical significance of this variant is uncertain due to the absence of conclusive functional and genetic evidence.

NM_018489.3(ASH1L):c.1387A>G (p.Lys463Glu)

Gene: ASH1L (ASH1 like histone lysine methyltransferase; minus strand). Cytogenetic location: 1q22.
Variant type: single nucleotide variant.
Coding change: c.1387A>G on transcript NM_018489.3 (MANE Select); coding-DNA position 1387, A replaced by G.
Protein change: p.Lys463Glu; replaces lysine 463 with glutamic acid.
Molecular consequence: missense variant.
Genome position (GRCh38, 1-based): chr1:155,481,483, T>C on the plus strand (A>G on the coding strand, the complement: ASH1L is on the minus strand). VCF-style: chr1-155481483-T-C. GRCh37 (hg19) VCF-style: chr1-155451274-T-C.
Other names: c.1387A>G, p.Lys463Glu (NM_001366177.2); short protein forms K463E.
Identifiers: ClinVar variation 4993523 (VCV004993523.1).
Genomic context (GRCh38, chr1:155,481,483, plus strand): 5'-CTGAGAACTTTTCCAATATGCTTTCTTTATTCTGCCGTACAACATTCTTTTCAAAAGTTT[T>C]GCTGGTGGCACTATCTTTCAGGGATTCAGAAAGTTCCTGACTTTCCTGATTATTGATGTT-3'
Protein context (NP_060959.2, residues 453-473): SESLKDSATS[Lys463Glu]TFEKNVVRQN